The following is an entry in ClinVar:

NM_001286577.2(C2CD3):c.1830A>C (p.Lys610Asn)

Gene: C2CD3 (C2 domain containing 3 centriole elongation regulator; minus strand). Cytogenetic location: 11q13.4.
Variant type: single nucleotide variant.
Coding change: c.1830A>C on transcript NM_001286577.2 (MANE Select); coding-DNA position 1830, A replaced by C.
Protein change: p.Lys610Asn; replaces lysine 610 with asparagine.
Molecular consequence: missense variant.
Genome position (GRCh38, 1-based): chr11:74,113,793, T>G on the plus strand (A>C on the coding strand, the complement: C2CD3 is on the minus strand). VCF-style: chr11-74113793-T-G. GRCh37 (hg19) VCF-style: chr11-73824838-T-G.
Other names: c.1830A>C, p.Lys610Asn (NM_015531.6); c.1830A>C (NM_015531.5, NM_015531.4); short protein forms K610N.
Identifiers: ClinVar variation 1988710 (VCV001988710.4), dbSNP rs374899528, ClinGen allele CA6182840.

ClinVar aggregate classification (germline): Uncertain significance. Review status: criteria provided, multiple submitters, no conflicts (2 of 4 stars). 3 submissions from 3 submitters: Uncertain significance (3). Last evaluated 2025-06-16.

Conditions:
Inborn genetic diseases. Identifiers: MedGen C0950123, MeSH D030342.

Allele frequency attached by ClinVar (database versions not stated): ExAC 0.00002; ESP Exome Variant Server 0.00008; TOPMed 0.00008; gnomAD 0.00010.
gnomAD v4.1: 22 of 1,605,584 alleles (0.0014%); highest among the groups gnomAD compares: African/African-American, 0.029%; no homozygotes.

Submissions (3):

Ambry Genetics
Classification: Uncertain significance for Inborn genetic diseases. Last evaluated: 2025-06-16. Review status: criteria provided, single submitter. Criteria: Ambry Variant Classification Scheme 2023. Collection method: clinical testing. Allele origin: germline.

GeneDx
Classification: Uncertain significance. Last evaluated: 2024-12-13. Review status: criteria provided, single submitter. Criteria: GeneDx Variant Classification Process June 2021. Collection method: clinical testing. Allele origin: germline. Affected: yes.
Comment: In silico analysis supports that this missense variant has a deleterious effect on protein structure/function; Has not been previously published as pathogenic or benign to our knowledge

Labcorp Genetics (formerly Invitae), Labcorp
Classification: Uncertain significance. Last evaluated: 2022-07-24. Review status: criteria provided, single submitter. Criteria: Invitae Variant Classification Sherloc (09022015). Collection method: clinical testing. Allele origin: germline.
Comment: This variant has not been reported in the literature in individuals affected with C2CD3-related conditions. In summary, the available evidence is currently insufficient to determine the role of this variant in disease. Therefore, it has been classified as a Variant of Uncertain Significance. Algorithms developed to predict the effect of missense changes on protein structure and function are either unavailable or do not agree on the potential impact of this missense change (SIFT: "Tolerated"; PolyPhen-2: "Probably Damaging"; Align-GVGD: "Class C0"). This variant is present in population databases (rs374899528, gnomAD 0.03%). This sequence change replaces lysine, which is basic and polar, with asparagine, which is neutral and polar, at codon 610 of the C2CD3 protein (p.Lys610Asn).